The following is an entry in ClinVar:

NM_001111.5(ADAR):c.*938A>C

Gene: ADAR (adenosine deaminase RNA specific; minus strand). Cytogenetic location: 1q21.3.
Variant type: single nucleotide variant.
Coding change: c.*938A>C on transcript NM_001111.5 (MANE Select); 938 bases downstream of the stop codon, A replaced by C.
Molecular consequence: 3 prime UTR variant.
Genome position (GRCh38, 1-based): chr1:154,583,868, T>G on the plus strand (A>C on the coding strand, the complement: ADAR is on the minus strand). VCF-style: chr1-154583868-T-G. GRCh37 (hg19) VCF-style: chr1-154556344-T-G.
Other names: c.*938A>C (LRG_1212t1, NM_001025107.3, NM_001193495.2 and 7 more transcripts).
Identifiers: ClinVar variation 292731 (VCV000292731.5), dbSNP rs147862510, ClinGen allele CA10608240.

ClinVar aggregate classification (germline): Benign (1 of 4 stars; one submission).

Conditions:
Symmetrical dyschromatosis of extremities (DSH). Also called: Dyschromatosis symmetrica hereditaria; DYSCHROMATOSIS SYMMETRICA HEREDITARIA 1; RETICULATE ACROPIGMENTATION OF DOHI; SYMMETRIC DYSCHROMATOSIS OF THE EXTREMITIES. Identifiers: Orphanet 41, MedGen C0406775, MONDO:0007483, OMIM 127400.

Allele frequency attached by ClinVar (database versions not stated): 1000 Genomes Project 0.00579; 1000 Genomes Project 30x 0.00609; TOPMed 0.00558; gnomAD 0.00621.

Submission:

Illumina Laboratory Services, Illumina
Classification: Benign for Symmetrical dyschromatosis of extremities. Last evaluated: 2018-01-12. Review status: criteria provided, single submitter. Criteria: ICSL Variant Classification Criteria 13 December 2019. Collection method: clinical testing. Allele origin: germline.
Comment: This variant was observed in the ICSL laboratory as part of a predisposition screen in an ostensibly healthy population. It had not been previously curated by ICSL or reported in the Human Gene Mutation Database (HGMD: prior to June 1st, 2018), and was therefore a candidate for classification through an automated scoring system. Utilizing variant allele frequency, disease prevalence and penetrance estimates, and inheritance mode, an automated score was calculated to assess if this variant is too frequent to cause the disease. Based on the score and internal cut-off values, a variant classified as benign is not then subjected to further curation. The score for this variant resulted in a classification of benign for this disease.